The following is an entry in ClinVar:

ClinVar aggregate classification (germline): Likely benign (1 of 4 stars; one submission).

Submission:

CeGaT Center for Human Genetics Tuebingen
Classification: Likely benign. Last evaluated: 2022-08-01. Review status: criteria provided, single submitter. Criteria: CeGaT Center For Human Genetics Tuebingen Variant Classification Criteria Version 2. Collection method: clinical testing. Allele origin: germline. Affected: yes. Observed: 1 variant allele.
Comment: ARX: PM2:Supporting, BP4, BP7

NM_139058.3(ARX):c.412C>A (p.Arg138=)

Genes: ARX (aristaless related homeobox; minus strand), LOC109610631 (aristaless related homeobox polyalanine expansion region; plus strand). Cytogenetic location: Xp21.3.
Variant type: single nucleotide variant.
Coding change: c.412C>A on transcript NM_139058.3 (MANE Select); coding-DNA position 412, C replaced by A.
Protein change: p.Arg138=; no amino-acid change (arginine 138 retained).
Molecular consequence: synonymous variant.
Genome position (GRCh38, 1-based): chrX:25,013,583, G>T on the plus strand (C>A on the coding strand, the complement: ARX is on the minus strand). VCF-style: chrX-25013583-G-T. GRCh37 (hg19) VCF-style: chrX-25031700-G-T.
Identifiers: ClinVar variation 1711702 (VCV001711702.30), dbSNP rs2048712696, ClinGen allele CA515947777.
Genomic context (GRCh38, chrX:25,013,583, plus strand): 5'-TGTCCCAGGCCGCGGCGGCCGCGGCCGCGGCTGCCGCGGCGGCCCCTGCGCCGTCCGGCC[G>T]TTCCCCGGGCCGCGCGGTTGGCGGTGGCGGCGGAGGGGCCTCCCCGCGTGGACCCGCCGT-3'
Protein context (NP_620689.1, residues 128-148): PPPPTARPGE[Arg138=]PDGAGAAAAA